The following is an entry in ClinVar:

ClinVar aggregate classification (germline): Uncertain significance (1 of 4 stars; one submission).

Allele frequency attached by ClinVar (database versions not stated): ExAC 0.00001; gnomAD 0.00001; gnomAD exomes 0.00001; TOPMed 0.00002.
gnomAD v4.1: 16 of 1,613,804 alleles (0.00099%); highest among the groups gnomAD compares: Admixed American, 0.0033%; no homozygotes.

Submission:

Labcorp Genetics (formerly Invitae), Labcorp
Classification: Uncertain significance. Last evaluated: 2024-12-24. Review status: criteria provided, single submitter. Criteria: Invitae Variant Classification Sherloc (09022015). Collection method: clinical testing. Allele origin: germline.
Comment: This sequence change replaces glutamic acid, which is acidic and polar, with aspartic acid, which is acidic and polar, at codon 250 of the DHX32 protein (p.Glu250Asp). This variant is present in population databases (rs749874940, gnomAD 0.006%). This variant has not been reported in the literature in individuals affected with DHX32-related conditions. ClinVar contains an entry for this variant (Variation ID: 2902494). An algorithm developed to predict the effect of missense changes on protein structure and function (PolyPhen-2) suggests that this variant is likely to be tolerated. In summary, the available evidence is currently insufficient to determine the role of this variant in disease. Therefore, it has been classified as a Variant of Uncertain Significance.

NM_018180.3(DHX32):c.750G>C (p.Glu250Asp)

Gene: DHX32 (DEAH-box helicase 32 (putative); minus strand). Cytogenetic location: 10q26.2.
Variant type: single nucleotide variant.
Coding change: c.750G>C on transcript NM_018180.3 (MANE Select); coding-DNA position 750, G replaced by C.
Protein change: p.Glu250Asp; replaces glutamic acid 250 with aspartic acid.
Molecular consequence: missense variant.
Genome position (GRCh38, 1-based): chr10:125,859,702, C>G on the plus strand (G>C on the coding strand, the complement: DHX32 is on the minus strand). VCF-style: chr10-125859702-C-G. GRCh37 (hg19) VCF-style: chr10-127548271-C-G.
Other names: short protein forms E250D.
Identifiers: ClinVar variation 2902494 (VCV002902494.3), dbSNP rs749874940, ClinGen allele CA5739393.
Genomic context (GRCh38, chr10:125,859,702, plus strand): 5'-ACCCGAGTGGTGAATTTCAAAGATAAGGCGTAAAATAGACTCAAAAGAATCCTTTTGAGC[C>G]TCACTAAGGTACACAACCTCCACAGGGTGTTTATTTTTCACTTCTATGACAGGCACGTTT-3'
Protein context (NP_060650.2, residues 240-260): KHPVEVVYLS[Glu250Asp]AQKDSFESIL